The following is an entry in ClinVar:

NM_015404.4(WHRN):c.1565A>C (p.Tyr522Ser)

Gene: WHRN (whirlin; minus strand). Cytogenetic location: 9q32.
Variant type: single nucleotide variant.
Coding change: c.1565A>C on transcript NM_015404.4 (MANE Select); coding-DNA position 1565, A replaced by C.
Protein change: p.Tyr522Ser; replaces tyrosine 522 with serine.
Molecular consequence: missense variant.
Genome position (GRCh38, 1-based): chr9:114,423,375, T>G on the plus strand (A>C on the coding strand, the complement: WHRN is on the minus strand). VCF-style: chr9-114423375-T-G. GRCh37 (hg19) VCF-style: chr9-117185655-T-G.
Other names: c.416A>C, p.Tyr139Ser (NM_001083885.3); c.1565A>C, p.Tyr522Ser (NM_001173425.2); c.512A>C, p.Tyr171Ser (NM_001346890.1); short protein forms Y171S, Y139S, Y522S.
Identifiers: ClinVar variation 1446086 (VCV001446086.8), dbSNP rs755519779, ClinGen allele CA374607044.

ClinVar aggregate classification (germline): Uncertain significance (1 of 4 stars; one submission).

gnomAD v4.1: 3 of 1,614,056 alleles (0.00019%); highest among the groups gnomAD compares: Non-Finnish European, 0.00025%; no homozygotes.

Submission:

Labcorp Genetics (formerly Invitae), Labcorp
Classification: Uncertain significance. Last evaluated: 2021-07-26. Review status: criteria provided, single submitter. Criteria: Invitae Variant Classification Sherloc (09022015). Collection method: clinical testing. Allele origin: germline.
Comment: In summary, the available evidence is currently insufficient to determine the role of this variant in disease. Therefore, it has been classified as a Variant of Uncertain Significance. Algorithms developed to predict the effect of missense changes on protein structure and function (SIFT, PolyPhen-2, Align-GVGD) all suggest that this variant is likely to be tolerated. This variant has not been reported in the literature in individuals affected with WHRN-related conditions. This variant is not present in population databases (ExAC no frequency). This sequence change replaces tyrosine with serine at codon 522 of the WHRN protein (p.Tyr522Ser). The tyrosine residue is highly conserved and there is a large physicochemical difference between tyrosine and serine.